The following is an entry in ClinVar:

ClinVar aggregate classification (germline): Likely pathogenic (1 of 4 stars; one submission).

Conditions:
Inborn genetic diseases. Identifiers: MedGen C0950123, MeSH D030342.

Submission:

Ambry Genetics
Classification: Likely pathogenic for Inborn genetic diseases. Last evaluated: 2023-04-13. Review status: criteria provided, single submitter. Criteria: Ambry Variant Classification Scheme 2023. Collection method: clinical testing. Allele origin: germline.
Comment: The c.2840G>A (p.G947D) alteration is located in exon 32 (coding exon 31) of the COL4A2 gene. This alteration results from a G to A substitution at nucleotide position 2840, causing the glycine (G) at amino acid position 947 to be replaced by an aspartic acid (D). This variant was not reported in population-based cohorts in the Genome Aggregation Database (gnomAD). This amino acid position is highly conserved in available vertebrate species. The p.G947 amino acid is located within the triple-helical domain of the collagen alpha-2(IV) chain and is one of the highly conserved glycine residues in the Gly-X-Y motif that make up this domain (Ramshaw, 1998). This alteration is predicted to be deleterious by in silico analysis. Based on the available evidence, this alteration is classified as likely pathogenic.

Literature cited by the submitters: PubMed 9724608.

NM_001846.4(COL4A2):c.2840G>A (p.Gly947Asp)

Gene: COL4A2 (collagen type IV alpha 2 chain; plus strand). Cytogenetic location: 13q34.
Variant type: single nucleotide variant.
Coding change: c.2840G>A on transcript NM_001846.4 (MANE Select); coding-DNA position 2840, G replaced by A.
Protein change: p.Gly947Asp; replaces glycine 947 with aspartic acid.
Molecular consequence: missense variant.
Genome position (GRCh38, 1-based): chr13:110,482,597, G>A. VCF-style: chr13-110482597-G-A. GRCh37 (hg19) VCF-style: chr13-111134944-G-A.
Other names: short protein forms G947D.
Identifiers: ClinVar variation 2492946 (VCV002492946.3), dbSNP rs2502163697, ClinGen allele CA388727397.